The following is an entry in ClinVar:

ClinVar aggregate classification (germline): Uncertain significance (1 of 4 stars; one submission).

Conditions:
Inborn genetic diseases. Identifiers: MedGen C0950123, MeSH D030342.

Submission:

Ambry Genetics
Classification: Uncertain significance for Inborn genetic diseases. Last evaluated: 2025-05-18. Review status: criteria provided, single submitter. Criteria: Ambry Variant Classification Scheme 2023. Collection method: clinical testing. Allele origin: germline.
Comment: The p.N470K variant (also known as c.1410T>G), located in coding exon 12 of the KDM1A gene, results from a T to G substitution at nucleotide position 1410. The asparagine at codon 470 is replaced by lysine, an amino acid with similar properties. This amino acid position is conserved. In addition, this alteration is predicted to be tolerated by in silico analysis. Based on the available evidence, the clinical significance of this variant remains unclear.

NM_001009999.3(KDM1A):c.1410T>G (p.Asn470Lys)

Gene: KDM1A (lysine demethylase 1A; plus strand). Cytogenetic location: 1p36.12.
Variant type: single nucleotide variant.
Coding change: c.1410T>G on transcript NM_001009999.3 (MANE Select); coding-DNA position 1410, T replaced by G.
Protein change: p.Asn470Lys; replaces asparagine 470 with lysine.
Molecular consequence: missense variant.
Genome position (GRCh38, 1-based): chr1:23,069,148, T>G. VCF-style: chr1-23069148-T-G. GRCh37 (hg19) VCF-style: chr1-23395641-T-G.
Other names: c.1338T>G, p.Asn446Lys (NM_001363654.2, NM_001410763.1, NM_015013.4); c.1398T>G, p.Asn466Lys (NM_001410762.1); short protein forms N446K, N466K, N470K.
Identifiers: ClinVar variation 4042144 (VCV004042144.1).